The following is an entry in ClinVar:

NM_007078.3(LDB3):c.937A>C (p.Thr313Pro)

Gene: LDB3 (LIM domain binding 3; plus strand). Cytogenetic location: 10q23.2.
Variant type: single nucleotide variant.
Coding change: c.937A>C on transcript NM_007078.3 (MANE Select); coding-DNA position 937, A replaced by C.
Protein change: p.Thr313Pro; replaces threonine 313 with proline.
Molecular consequence: missense variant. On other transcripts: intron variant (4).
Genome position (GRCh38, 1-based): chr10:86,706,571, A>C. VCF-style: chr10-86706571-A-C. GRCh37 (hg19) VCF-style: chr10-88466328-A-C.
Other names: c.796A>C, p.Thr266Pro (NM_001368066.1); c.897-3334A>C (NM_001368064.1, NM_001368065.1); c.1101-3334A>C (NM_001171610.2); c.756-3334A>C (NM_001080114.2); short protein forms T266P, T313P.
Identifiers: ClinVar variation 1503204 (VCV001503204.6), dbSNP rs1310203563, ClinGen allele CA377446604.
Genomic context (GRCh38, chr10:86,706,571, plus strand): 5'-TTTTGGTCCCGCCTCATCAGCACCCCTATTGAGCATGCGCCGGTGTGCACCAGCCAGGCC[A>C]CCACCCCGCTGCTGCCCGCTTCTGCCCAGCCACCTGCTGCTGCCTCTCCCAGTGCGGCTT-3'
Protein context (NP_009009.1, residues 303-323): EHAPVCTSQA[Thr313Pro]TPLLPASAQP

ClinVar aggregate classification (germline): Uncertain significance (1 of 4 stars; one submission).

Conditions:
Myofibrillar myopathy 4. Also called: Zaspopathy (type). Identifiers: Orphanet 98912, MedGen C4721886, MONDO:0012277, OMIM 609452.

Submission:

Labcorp Genetics (formerly Invitae), Labcorp
Classification: Uncertain significance for Myofibrillar myopathy 4. Last evaluated: 2021-01-17. Review status: criteria provided, single submitter. Criteria: Invitae Variant Classification Sherloc (09022015). Collection method: clinical testing. Allele origin: germline.
Comment: In summary, the available evidence is currently insufficient to determine the role of this variant in disease. Therefore, it has been classified as a Variant of Uncertain Significance. Experimental studies and prediction algorithms are not available or were not evaluated, and the functional significance of this variant is currently unknown. This variant has not been reported in the literature in individuals with LDB3-related conditions. This variant is not present in population databases (ExAC no frequency). This sequence change replaces threonine with proline at codon 313 of the LDB3 protein (p.Thr313Pro). The LDB3 gene has multiple clinically relevant transcripts. This variant occurs in alternate transcript NM_007078.3, and corresponds to NM_001080116.1:c.*7197A>C in the primary transcript.